The following is an entry in ClinVar:

NM_003238.6(TGFB2):c.959G>A (p.Arg320His)

Gene: TGFB2 (transforming growth factor beta 2; plus strand). Cytogenetic location: 1q41.
Variant type: single nucleotide variant.
Coding change: c.959G>A on transcript NM_003238.6 (MANE Select); coding-DNA position 959, G replaced by A.
Protein change: p.Arg320His; replaces arginine 320 with histidine.
Molecular consequence: missense variant. On other transcripts: non-coding transcript variant (2).
Genome position (GRCh38, 1-based): chr1:218,437,369, G>A. VCF-style: chr1-218437369-G-A. GRCh37 (hg19) VCF-style: chr1-218610711-G-A.
Other names: c.959G>A (NM_003238.3); c.1043G>A, p.Arg348His (NM_001135599.4); short protein forms R320H, R348H.
Identifiers: ClinVar variation 2664925 (VCV002664925.2), dbSNP rs896426406, ClinGen allele CA37622220.
Genomic context (GRCh38, chr1:218,437,369, plus strand): 5'-AATCTCCATTGCTTTTTTTTTTTTTTTTTAACAGAAATGTGCAGGATAATTGCTGCCTAC[G>A]TCCACTTTACATTGATTTCAAGAGGGATCTAGGGTGGAAATGGATACACGAACCCAAAGG-3'
Protein context (NP_003229.1, residues 310-330): FRNVQDNCCL[Arg320His]PLYIDFKRDL

ClinVar aggregate classification (germline): Uncertain significance. Review status: criteria provided, multiple submitters, no conflicts (2 of 4 stars). 2 submissions from 2 submitters: Uncertain significance (2). Last evaluated 2026-08-26.

Conditions:
Loeys-Dietz syndrome 4 (LDS4). Also called: ANEURYSM, AORTIC AND CEREBRAL, WITH ARTERIAL TORTUOSITY AND SKELETAL MANIFESTATIONS; TGFB2-Related Loeys-Dietz Syndrome. Identifiers: MedGen C3553762, MONDO:0013897, OMIM 614816.
Familial thoracic aortic aneurysm and aortic dissection (TAAD). Also called: Thoracic aortic aneurysms and dissections. Identifiers: Orphanet 91387, MedGen C4707243, MONDO:0019625.

Allele frequency attached by ClinVar (database versions not stated): TOPMed below 0.00001; gnomAD exomes 0.00001; gnomAD 0.00001.
gnomAD v4.1: 13 of 1,597,568 alleles (0.00081%); highest among the groups gnomAD compares: South Asian, 0.0011%; no homozygotes.

Submissions (2):

Ambry Genetics
Classification: Uncertain significance for Familial thoracic aortic aneurysm and aortic dissection. Last evaluated: 2026-08-26. Review status: criteria provided, single submitter. Criteria: Ambry Variant Classification Scheme 2023. Collection method: clinical testing. Allele origin: germline.
Comment: The p.R320H variant (also known as c.959G>A), located in coding exon 6 of the TGFB2 gene, results from a G to A substitution at nucleotide position 959. The arginine at codon 320 is replaced by histidine, an amino acid with highly similar properties. This variant was reported in individual(s) with features consistent with coloboma and microphthalmia (Haug P et al. Genes (Basel), 2021 Jan;12:). This amino acid position is highly conserved in available vertebrate species. In addition, this alteration is predicted to be deleterious by in silico analysis. Based on the available evidence, the clinical significance of this variant remains unclear.

Neuberg Centre For Genomic Medicine, NCGM
Classification: Uncertain significance for Loeys-Dietz syndrome 4. Last evaluated: 2023-03-01. Review status: criteria provided, single submitter. Criteria: ACMG Guidelines, 2015. Collection method: clinical testing. Allele origin: germline. Inheritance: Autosomal recessive inheritance. Affected: yes.
Comment: The missense c.959G>A(p.Arg320His) variant in TGFB2 gene has not been reported previously as a pathgenic variant nor a benign variant, to our knowledge. The p.Arg320His variant has been reported with allele frequency of 0.0008% in gnomAD Exomes database and is novel (not in any individuals) in 1000 Genomes. This variant has not been reported to the ClinVar database. The amino acid Arg at position 320 is changed to a His changing protein sequence and it might alter its composition and physicochemical properties. For these reasons, this variant has been classified as a Variant of Uncertain Significance (VUS).

Literature cited by the submitters: PubMed 33418956 (cited by Ambry Genetics).